The following is an entry in ClinVar:

ClinVar aggregate classification (germline): Likely benign. Review status: criteria provided, multiple submitters, no conflicts (2 of 4 stars). 4 submissions from 4 submitters: Likely benign (4). Last evaluated 2025-12-03.

Conditions:
Cardiovascular phenotype. Identifiers: MedGen CN230736.
Glycogen storage disease, type II (IOPD). Also called: GLYCOGENOSIS, GENERALIZED, CARDIAC FORM; GSD II; GAA DEFICIENCY, INFANTILE-ONSET; ACID MALTASE DEFICIENCY, INFANTILE-ONSET; Glucosidase acid-1,4-alpha deficiency; Glycogen storage disease type 2. Identifiers: Orphanet 365, MedGen C0017921, MONDO:0009290, OMIM 232300.

Allele frequency attached by ClinVar (database versions not stated): TOPMed 0.00004.
gnomAD v4.1: 62 of 1,612,310 alleles (0.0038%); highest among the groups gnomAD compares: Non-Finnish European, 0.0051%; no homozygotes.

Submissions (4):

Labcorp Genetics (formerly Invitae), Labcorp
Classification: Likely benign for Glycogen storage disease, type II. Last evaluated: 2025-12-03. Review status: criteria provided, single submitter. Criteria: Invitae Variant Classification Sherloc (09022015). Collection method: clinical testing. Allele origin: germline.

Mayo Clinic Laboratories, Mayo Clinic
Classification: Likely benign. Last evaluated: 2025-06-26. Review status: criteria provided, single submitter. Criteria: ACMG Guidelines, 2015. Collection method: clinical testing. Allele origin: germline. Observed: 2 variant alleles.
Comment: BP4, BP7

CeGaT Center for Human Genetics Tuebingen
Classification: Likely benign. Last evaluated: 2023-03-01. Review status: criteria provided, single submitter. Criteria: CeGaT Center For Human Genetics Tuebingen Variant Classification Criteria Version 2. Collection method: clinical testing. Allele origin: germline. Affected: yes. Observed: 1 variant allele.
Comment: GAA: BP4, BP7

Ambry Genetics
Classification: Likely benign for Cardiovascular phenotype. Last evaluated: 2020-08-30. Review status: criteria provided, single submitter. Criteria: Ambry Variant Classification Scheme 2023. Collection method: clinical testing. Allele origin: germline.

NM_000152.5(GAA):c.2430C>G (p.Pro810=)

Gene: GAA (alpha glucosidase; plus strand). Cytogenetic location: 17q25.3.
Variant type: single nucleotide variant.
Coding change: c.2430C>G on transcript NM_000152.5 (MANE Select); coding-DNA position 2430, C replaced by G.
Protein change: p.Pro810=; no amino-acid change (proline 810 retained).
Molecular consequence: synonymous variant.
Genome position (GRCh38, 1-based): chr17:80,117,698, C>G. VCF-style: chr17-80117698-C-G. GRCh37 (hg19) VCF-style: chr17-78091497-C-G.
Other names: p.Pro810=; c.2430C>G, p.Pro810= (NM_001079803.3, NM_001079804.3).
Identifiers: ClinVar variation 797043 (VCV000797043.38), dbSNP rs554839058, ClinGen allele CA8815741.